The following is an entry in ClinVar:

ClinVar aggregate classification (germline): Conflicting classifications of pathogenicity. Review status: criteria provided, conflicting classifications (1 of 4 stars). 2 submissions from 2 submitters: Uncertain significance (1); Likely benign (1). Last evaluated 2022-03-03.

Conditions:
RASopathy. Also called: Noonan spectrum disorder; rasopathies. Identifiers: Orphanet 536391, MedGen C5555857, MONDO:0021060.

Allele frequency attached by ClinVar (database versions not stated): gnomAD 0.00001; gnomAD exomes below 0.00001; TOPMed below 0.00001; ExAC 0.00001.
gnomAD v4.1: 4 of 1,609,692 alleles (0.00025%); highest among the groups gnomAD compares: Non-Finnish European, 0.00034%; no homozygotes.

Submissions (2):

Labcorp Genetics (formerly Invitae), Labcorp
Classification: Likely benign for RASopathy. Last evaluated: 2022-03-03. Review status: criteria provided, single submitter. Criteria: Invitae Variant Classification Sherloc (09022015). Collection method: clinical testing. Allele origin: germline.

Laboratory for Molecular Medicine, Mass General Brigham Personalized Medicine
Classification: Uncertain significance. Last evaluated: 2014-03-05. Review status: criteria provided, single submitter. Criteria: LMM Criteria. Collection method: clinical testing. Allele origin: germline. Observed: 1 variant allele.
Comment: The 88-14C>G variant in SOS1 has not been previously reported in individuals wit h clinical features of a Noonan spectrum disorder or in large population studies . This variant is located in the 3' splice region. Computational tools do not su ggest an impact to splicing, though this information is not predictive enough to rule out pathogenicity. In summary, additional information is needed to fully a ssess the clinical significance of this variant.

NM_005633.4(SOS1):c.88-14C>G

Gene: SOS1 (SOS Ras/Rac guanine nucleotide exchange factor 1; minus strand). Cytogenetic location: 2p22.1.
Variant type: single nucleotide variant.
Coding change: c.88-14C>G on transcript NM_005633.4 (MANE Select); 14 bases into the intron before coding-DNA position 88, C replaced by G.
Molecular consequence: intron variant.
Genome position (GRCh38, 1-based): chr2:39,067,767, G>C on the plus strand (C>G on the coding strand, the complement: SOS1 is on the minus strand). VCF-style: chr2-39067767-G-C. GRCh37 (hg19) VCF-style: chr2-39294908-G-C.
Other names: c.67-14C>G (NM_001382394.1); c.88-14C>G (NM_001382395.1).
Identifiers: ClinVar variation 179493 (VCV000179493.12), dbSNP rs727504900, ClinGen allele CA184535.